The following is an entry in ClinVar:

NM_032608.7(MYO18B):c.1113G>C (p.Met371Ile)

Gene: MYO18B (myosin XVIIIB; plus strand). Cytogenetic location: 22q12.1.
Variant type: single nucleotide variant.
Coding change: c.1113G>C on transcript NM_032608.7 (MANE Select); coding-DNA position 1113, G replaced by C.
Protein change: p.Met371Ile; replaces methionine 371 with isoleucine.
Molecular consequence: missense variant.
Genome position (GRCh38, 1-based): chr22:25,769,029, G>C. VCF-style: chr22-25769029-G-C. GRCh37 (hg19) VCF-style: chr22-26164996-G-C.
Other names: c.1113G>C, p.Met371Ile (NM_001318245.2); short protein forms M371I.
Identifiers: ClinVar variation 1406934 (VCV001406934.1), dbSNP rs1354268174, ClinGen allele CA411004169.

ClinVar aggregate classification (germline): Uncertain significance (1 of 4 stars; one submission).

Allele frequency attached by ClinVar (database versions not stated): gnomAD exomes below 0.00001.
gnomAD v4.1: 4 of 1,611,476 alleles (0.00025%); highest among the groups gnomAD compares: Admixed American, 0.0017%; no homozygotes.

Submission:

Labcorp Genetics (formerly Invitae), Labcorp
Classification: Uncertain significance. Last evaluated: 2021-09-16. Review status: criteria provided, single submitter. Criteria: Invitae Variant Classification Sherloc (09022015). Collection method: clinical testing. Allele origin: germline.
Comment: This sequence change replaces methionine with isoleucine at codon 371 of the MYO18B protein (p.Met371Ile). The methionine residue is weakly conserved and there is a small physicochemical difference between methionine and isoleucine. This variant is not present in population databases (ExAC no frequency). This variant has not been reported in the literature in individuals affected with MYO18B-related conditions. Algorithms developed to predict the effect of missense changes on protein structure and function are either unavailable or do not agree on the potential impact of this missense change (SIFT: "Not Available"; PolyPhen-2: "Benign"; Align-GVGD: "Not Available"). In summary, the available evidence is currently insufficient to determine the role of this variant in disease. Therefore, it has been classified as a Variant of Uncertain Significance.